The following is an entry in ClinVar:

NM_002890.3(RASA1):c.260C>G (p.Thr87Arg)

Gene: RASA1 (RAS p21 protein activator 1; plus strand). Cytogenetic location: 5q14.3.
Variant type: single nucleotide variant.
Coding change: c.260C>G on transcript NM_002890.3 (MANE Select); coding-DNA position 260, C replaced by G.
Protein change: p.Thr87Arg; replaces threonine 87 with arginine.
Molecular consequence: missense variant.
Genome position (GRCh38, 1-based): chr5:87,268,711, C>G. VCF-style: chr5-87268711-C-G. GRCh37 (hg19) VCF-style: chr5-86564528-C-G.
Other names: short protein forms T87R.
Identifiers: ClinVar variation 354507 (VCV000354507.10), dbSNP rs553059467, ClinGen allele CA3335369.

ClinVar aggregate classification (germline): Conflicting classifications of pathogenicity. Review status: criteria provided, conflicting classifications (1 of 4 stars). 2 submissions from 2 submitters: Uncertain significance (1); Likely benign (1). Last evaluated 2024-02-21.

Conditions:
Capillary malformation-arteriovenous malformation syndrome. Also called: Capillary malformation-arteriovenous malformation. Identifiers: Orphanet 137667, MedGen C1842180, MONDO:0012016.
Cardiovascular phenotype. Identifiers: MedGen CN230736.

Allele frequency attached by ClinVar (database versions not stated): gnomAD 0.00001; gnomAD exomes 0.00002; ExAC 0.00003; 1000 Genomes Project 30x 0.00016; 1000 Genomes Project 0.00020.
gnomAD v4.1: 10 of 1,612,258 alleles (0.00062%); highest among the groups gnomAD compares: South Asian, 0.011%; no homozygotes.

Submissions (2):

Labcorp Genetics (formerly Invitae), Labcorp
Classification: Uncertain significance for Capillary malformation-arteriovenous malformation syndrome. Last evaluated: 2024-02-21. Review status: criteria provided, single submitter. Criteria: Invitae Variant Classification Sherloc (09022015). Collection method: clinical testing. Allele origin: germline.
Comment: This sequence change replaces threonine, which is neutral and polar, with arginine, which is basic and polar, at codon 87 of the RASA1 protein (p.Thr87Arg). This variant is present in population databases (rs553059467, gnomAD 0.01%). This variant has not been reported in the literature in individuals affected with RASA1-related conditions. ClinVar contains an entry for this variant (Variation ID: 354507). An algorithm developed to predict the effect of missense changes on protein structure and function (PolyPhen-2) suggests that this variant is likely to be disruptive. In summary, the available evidence is currently insufficient to determine the role of this variant in disease. Therefore, it has been classified as a Variant of Uncertain Significance.

Ambry Genetics
Classification: Likely benign for Cardiovascular phenotype. Last evaluated: 2023-05-24. Review status: criteria provided, single submitter. Criteria: Ambry Variant Classification Scheme 2023. Collection method: clinical testing. Allele origin: germline.